The following is an entry in ClinVar:

NM_020158.4(EXOSC5):c.409G>A (p.Ala137Thr)

Gene: EXOSC5 (exosome component 5; minus strand). Cytogenetic location: 19q13.2.
Variant type: single nucleotide variant.
Coding change: c.409G>A on transcript NM_020158.4 (MANE Select); coding-DNA position 409, G replaced by A.
Protein change: p.Ala137Thr; replaces alanine 137 with threonine.
Molecular consequence: missense variant.
Genome position (GRCh38, 1-based): chr19:41,389,881, C>T on the plus strand (G>A on the coding strand, the complement: EXOSC5 is on the minus strand). VCF-style: chr19-41389881-C-T. GRCh37 (hg19) VCF-style: chr19-41895786-C-T.
Other names: short protein forms A137T.
Identifiers: ClinVar variation 2222811 (VCV002222811.3), dbSNP rs376614222, ClinGen allele CA9460754.
Genomic context (GRCh38, chr19:41,389,881, plus strand): 5'-AGGCGACCCCACAGAAGAGAGCCCGCATGGGCACACCTGCATCCACCAATGCCATGCAGG[C>T]GGCATTCAGACAACAGGCCAGGAGCTGAGCACCACAGGAAATGGTTAAGTTTCTTTTTTT-3'
Protein context (NP_064543.3, residues 127-147): GSLLACCLNA[Ala137Thr]CMALVDAGVP

ClinVar aggregate classification (germline): Uncertain significance. Review status: criteria provided, multiple submitters, no conflicts (2 of 4 stars). 2 submissions from 2 submitters: Uncertain significance (2). Last evaluated 2023-06-28.

Conditions:
Inborn genetic diseases. Identifiers: MedGen C0950123, MeSH D030342.

Allele frequency attached by ClinVar (database versions not stated): gnomAD 0.00013; 1000 Genomes Project 30x 0.00016; ExAC 0.00017; 1000 Genomes Project 0.00020; TOPMed 0.00020.
gnomAD v4.1: 184 of 1,611,100 alleles (0.011%); highest among the groups gnomAD compares: East Asian, 0.13%; no homozygotes.

Submissions (2):

GeneDx
Classification: Uncertain significance. Last evaluated: 2023-06-28. Review status: criteria provided, single submitter. Criteria: GeneDx Variant Classification Process June 2021. Collection method: clinical testing. Allele origin: germline. Affected: yes.
Comment: In silico analysis supports that this missense variant has a deleterious effect on protein structure/function; Has not been previously published as pathogenic or benign to our knowledge

Ambry Genetics
Classification: Uncertain significance for Inborn genetic diseases. Last evaluated: 2022-11-21. Review status: criteria provided, single submitter. Criteria: Ambry Variant Classification Scheme 2023. Collection method: clinical testing. Allele origin: germline.